The following is an entry in ClinVar:

NM_194248.3(OTOF):c.694A>C (p.Asn232His)

Gene: OTOF (otoferlin; minus strand). Cytogenetic location: 2p23.3.
Variant type: single nucleotide variant.
Coding change: c.694A>C on transcript NM_194248.3 (MANE Select); coding-DNA position 694, A replaced by C.
Protein change: p.Asn232His; replaces asparagine 232 with histidine.
Molecular consequence: missense variant.
Genome position (GRCh38, 1-based): chr2:26,502,316, T>G on the plus strand (A>C on the coding strand, the complement: OTOF is on the minus strand). VCF-style: chr2-26502316-T-G. GRCh37 (hg19) VCF-style: chr2-26725184-T-G.
Other names: c.694A>C, p.Asn232His (NM_001287489.2); short protein forms N232H.
Identifiers: ClinVar variation 3673276 (VCV003673276.2).

ClinVar aggregate classification (germline): Uncertain significance (1 of 4 stars; one submission).

gnomAD v4.1: 26 of 1,613,812 alleles (0.0016%); highest among the groups gnomAD compares: East Asian, 0.058%; no homozygotes.

Submission:

Labcorp Genetics (formerly Invitae), Labcorp
Classification: Uncertain significance. Last evaluated: 2025-01-10. Review status: criteria provided, single submitter. Criteria: Invitae Variant Classification Sherloc (09022015). Collection method: clinical testing. Allele origin: germline.
Comment: This sequence change replaces asparagine, which is neutral and polar, with histidine, which is basic and polar, at codon 232 of the OTOF protein (p.Asn232His). This variant is present in population databases (rs777236383, gnomAD 0.02%). This variant has not been reported in the literature in individuals affected with OTOF-related conditions. Invitae Evidence Modeling of protein sequence and biophysical properties (such as structural, functional, and spatial information, amino acid conservation, physicochemical variation, residue mobility, and thermodynamic stability) indicates that this missense variant is not expected to disrupt OTOF protein function with a negative predictive value of 95%. In summary, the available evidence is currently insufficient to determine the role of this variant in disease. Therefore, it has been classified as a Variant of Uncertain Significance.